The following is an entry in ClinVar:

NM_152327.5(AK7):c.706G>A (p.Glu236Lys)

Gene: AK7 (adenylate kinase 7; plus strand). Cytogenetic location: 14q32.2.
Variant type: single nucleotide variant.
Coding change: c.706G>A on transcript NM_152327.5 (MANE Select); coding-DNA position 706, G replaced by A.
Protein change: p.Glu236Lys; replaces glutamic acid 236 with lysine.
Molecular consequence: missense variant.
Genome position (GRCh38, 1-based): chr14:96,442,745, G>A. VCF-style: chr14-96442745-G-A. GRCh37 (hg19) VCF-style: chr14-96909082-G-A.
Other names: c.706G>A, p.Glu236Lys (NM_001350888.2, NM_001350890.2, NM_001350891.2 and 1 more transcripts); short protein forms E236K.
Identifiers: ClinVar variation 2883441 (VCV002883441.3), dbSNP rs114393353, ClinGen allele CA7337596.

ClinVar aggregate classification (germline): Uncertain significance (1 of 4 stars; one submission).

Allele frequency attached by ClinVar (database versions not stated): TOPMed 0.00002; gnomAD 0.00003.
gnomAD v4.1: 31 of 1,614,000 alleles (0.0019%); highest among the groups gnomAD compares: East Asian, 0.042%; no homozygotes.

Submission:

Labcorp Genetics (formerly Invitae), Labcorp
Classification: Uncertain significance. Last evaluated: 2023-10-04. Review status: criteria provided, single submitter. Criteria: Invitae Variant Classification Sherloc (09022015). Collection method: clinical testing. Allele origin: germline.
Comment: This sequence change replaces glutamic acid, which is acidic and polar, with lysine, which is basic and polar, at codon 236 of the AK7 protein (p.Glu236Lys). This variant is present in population databases (rs114393353, gnomAD 0.04%). This variant has not been reported in the literature in individuals affected with AK7-related conditions. Advanced modeling of protein sequence and biophysical properties (such as structural, functional, and spatial information, amino acid conservation, physicochemical variation, residue mobility, and thermodynamic stability) performed at Invitae indicates that this missense variant is not expected to disrupt AK7 protein function. In summary, the available evidence is currently insufficient to determine the role of this variant in disease. Therefore, it has been classified as a Variant of Uncertain Significance.